The following is an entry in ClinVar:

NM_002661.5(PLCG2):c.219C>G (p.Ile73Met)

Gene: PLCG2 (phospholipase C gamma 2; plus strand). Cytogenetic location: 16q23.3.
Variant type: single nucleotide variant.
Coding change: c.219C>G on transcript NM_002661.5 (MANE Select); coding-DNA position 219, C replaced by G.
Protein change: p.Ile73Met; replaces isoleucine 73 with methionine.
Molecular consequence: missense variant.
Genome position (GRCh38, 1-based): chr16:81,854,469, C>G. VCF-style: chr16-81854469-C-G. GRCh37 (hg19) VCF-style: chr16-81888074-C-G.
Other names: c.219C>G, p.Ile73Met (NM_001425749.1, NM_001425750.1, NM_001425751.1); short protein forms I73M.
Identifiers: ClinVar variation 2969495 (VCV002969495.4), dbSNP rs1906581090, ClinGen allele CA396900496.

ClinVar aggregate classification (germline): Uncertain significance. Review status: criteria provided, multiple submitters, no conflicts (2 of 4 stars). 2 submissions from 2 submitters: Uncertain significance (2). Last evaluated 2024-01-19.

Conditions:
Familial cold autoinflammatory syndrome 3 (FCAS3). Also called: FAMILIAL ATYPICAL COLD URTICARIA; ANTIBODY DEFICIENCY AND IMMUNE DYSREGULATION, PLCG2-ASSOCIATED. Identifiers: Orphanet 300359, MedGen C3280914, MONDO:0013766, OMIM 614468.

Allele frequency attached by ClinVar (database versions not stated): gnomAD 0.00001.
gnomAD v4.1: 1 of 1,613,890 alleles (0.000062%); highest among the groups gnomAD compares: African/African-American, 0.0013%; no homozygotes.

Submissions (2):

Labcorp Genetics (formerly Invitae), Labcorp
Classification: Uncertain significance for Familial cold autoinflammatory syndrome 3. Last evaluated: 2024-01-19. Review status: criteria provided, single submitter. Criteria: Invitae Variant Classification Sherloc (09022015). Collection method: clinical testing. Allele origin: germline.
Comment: This sequence change replaces isoleucine, which is neutral and non-polar, with methionine, which is neutral and non-polar, at codon 73 of the PLCG2 protein (p.Ile73Met). This variant is not present in population databases (gnomAD no frequency). This variant has not been reported in the literature in individuals affected with PLCG2-related conditions. An algorithm developed to predict the effect of missense changes on protein structure and function (PolyPhen-2) suggests that this variant is likely to be tolerated. In summary, the available evidence is currently insufficient to determine the role of this variant in disease. Therefore, it has been classified as a Variant of Uncertain Significance.

Blueprint Genetics
Classification: Uncertain significance. Last evaluated: 2020-08-07. Review status: criteria provided, single submitter. Criteria: ACMG Guidelines, 2015. Collection method: clinical testing. Allele origin: germline.